The following is an entry in ClinVar:

ClinVar aggregate classification (germline): Uncertain significance (1 of 4 stars; one submission).

Conditions:
Regional enteritis. Also called: Enteritis, Granulomatous. Identifiers: MedGen C0678202, MeSH D003424.
Blau syndrome (BLAUS). Also called: ARTHROCUTANEOUVEAL GRANULOMATOSIS; GRANULOMATOSIS, FAMILIAL JUVENILE SYSTEMIC; GRANULOMATOSIS, FAMILIAL, BLAU TYPE; GRANULOMATOUS INFLAMMATORY ARTHRITIS, DERMATITIS, AND UVEITIS, FAMILIAL; JABS SYNDROME. Identifiers: Orphanet 90340, MedGen C5201146, MONDO:0008523, OMIM 186580.

Allele frequency attached by ClinVar (database versions not stated): gnomAD exomes below 0.00001; ExAC 0.00001.

Submission:

Labcorp Genetics (formerly Invitae), Labcorp
Classification: Uncertain significance for Regional enteritis; Blau syndrome. Last evaluated: 2020-03-17. Review status: criteria provided, single submitter. Criteria: Invitae Variant Classification Sherloc (09022015). Collection method: clinical testing. Allele origin: germline.
Comment: This sequence change replaces cysteine with phenylalanine at codon 869 of the NOD2 protein (p.Cys869Phe). The cysteine residue is moderately conserved and there is a large physicochemical difference between cysteine and phenylalanine. This variant is present in population databases (rs749157324, ExAC 0.001%). In summary, the available evidence is currently insufficient to determine the role of this variant in disease. Therefore, it has been classified as a Variant of Uncertain Significance. Algorithms developed to predict the effect of missense changes on protein structure and function (SIFT, PolyPhen-2, Align-GVGD) all suggest that this variant is likely to be tolerated, but these predictions have not been confirmed by published functional studies and their clinical significance is uncertain. This variant has not been reported in the literature in individuals with NOD2-related conditions.

NM_001370466.1(NOD2):c.2525G>T (p.Cys842Phe)

Gene: NOD2 (nucleotide binding oligomerization domain containing 2; plus strand). Cytogenetic location: 16q12.1.
Variant type: single nucleotide variant.
Coding change: c.2525G>T on transcript NM_001370466.1 (MANE Select); coding-DNA position 2525, G replaced by T.
Protein change: p.Cys842Phe; replaces cysteine 842 with phenylalanine.
Molecular consequence: missense variant. On other transcripts: non-coding transcript variant (1).
Genome position (GRCh38, 1-based): chr16:50,716,950, G>T. VCF-style: chr16-50716950-G-T. GRCh37 (hg19) VCF-style: chr16-50750861-G-T.
Other names: c.2525G>T, p.Cys842Phe (NM_001293557.2); c.2606G>T, p.Cys869Phe (NM_022162.3); short protein forms C842F, C869F.
Identifiers: ClinVar variation 1058238 (VCV001058238.9), dbSNP rs749157324, ClinGen allele CA8051856.